The following is an entry in ClinVar:

NM_016312.3(WBP11):c.1559dup (p.Gly521fs)

Gene: WBP11 (WW domain binding protein 11; minus strand). Cytogenetic location: 12p12.3.
Variant type: Duplication.
Coding change: c.1559dup on transcript NM_016312.3 (MANE Select); coding-DNA position 1559, one base duplicated (C; older notation c.1559dupC).
Protein change: p.Gly521fs; shifts the reading frame from glycine 521.
Molecular consequence: frameshift variant.
Genome position (GRCh38, 1-based): chr12:14,787,432, G duplicated on the plus strand (C on the coding strand, the reverse complement: WBP11 is on the minus strand); the first of 7 consecutive G bases (chr12:14,787,432-14,787,438); duplicating any one gives the same sequence. VCF-style (leftmost placement, unchanged base first): chr12-14787431-A-AG. GRCh37 (hg19) VCF-style: chr12-14940365-A-AG.
Other names: short protein forms G521fs.
Identifiers: ClinVar variation 917484 (VCV000917484.1), dbSNP rs767139774, ClinGen allele CA6464188.

ClinVar aggregate classification (germline): Pathogenic. Review status: criteria provided, multiple submitters, no conflicts (2 of 4 stars). 2 submissions from 2 submitters: Pathogenic (2). Last evaluated 2020-06-01.

Conditions:
Vertebral, cardiac, tracheoesophageal, renal, and limb defects. Also called: VCTERL SYNDROME. Identifiers: MedGen C5543189, MONDO:0030987, OMIM 619227.
WBP11 spliceosomopathy.

Submissions (2):

Embryology Laboratory, Victor Chang Cardiac Research Institute
Classification: Pathogenic for WBP11 spliceosomopathy. Last evaluated: 2020-06-01. Review status: criteria provided, single submitter. Criteria: ACMG Guidelines, 2015. Collection method: clinical testing. Allele origin: de novo. Affected: yes. Observed: 1 variant allele.

Neuberg Centre For Genomic Medicine, NCGM
Classification: Pathogenic for Vertebral, cardiac, tracheoesophageal, renal, and limb defects. Review status: criteria provided, single submitter. Criteria: ACMG Guidelines, 2015. Collection method: clinical testing. Allele origin: germline. Inheritance: Autosomal dominant inheritance. Affected: yes.
Comment: The frameshift variant c.1559dup (p.Gly521TrpfsTer28) has been reported previously in heterozygous state in a patient affected with multiple congenital anomalies (Martin et al., 2020). The variant is novel (not in any individuals) in gnomAD Exomes and 1000 Genomes. It has been submitted to ClinVar as Pathogenic. This variant is predicted to cause loss of normal protein function through protein truncation. Loss of function variants have been previously reported to be disease causing. For these reasons, this variant has been classified as Pathogenic.